The following is an entry in ClinVar:

NM_001613.4(ACTA2):c.60G>A (p.Lys20=)

Gene: ACTA2 (actin alpha 2, smooth muscle; minus strand). Cytogenetic location: 10q23.31.
Variant type: single nucleotide variant.
Coding change: c.60G>A on transcript NM_001613.4 (MANE Select); coding-DNA position 60, G replaced by A.
Protein change: p.Lys20=; no amino-acid change (lysine 20 retained).
Molecular consequence: synonymous variant.
Genome position (GRCh38, 1-based): chr10:88,948,871, C>T on the plus strand (G>A on the coding strand, the complement: ACTA2 is on the minus strand). VCF-style: chr10-88948871-C-T. GRCh37 (hg19) VCF-style: chr10-90708628-C-T.
Other names: c.60G>A, p.Lys20= (NM_001141945.3, NM_001320855.2, NM_001406462.1 and 7 more transcripts).
Identifiers: ClinVar variation 380394 (VCV000380394.15), dbSNP rs373232511, ClinGen allele CA028845.

ClinVar aggregate classification (germline): Benign/Likely benign. Review status: criteria provided, multiple submitters, no conflicts (2 of 4 stars). 6 submissions from 6 submitters: Benign (1); Likely benign (4). 1 of the submissions does not count toward it. Last evaluated 2026-01-13.

Conditions:
Familial thoracic aortic aneurysm and aortic dissection (TAAD). Also called: Thoracic aortic aneurysms and dissections. Identifiers: Orphanet 91387, MedGen C4707243, MONDO:0019625.
Aortic aneurysm, familial thoracic 6 (AAT6). Also called: FAMILIAL THORACIC AORTIC ANEURYSM WITH LIVEDO RETICULARIS AND IRIS FLOCCULI. Identifiers: MedGen C2673186, MONDO:0012730, OMIM 611788.
ACTA2-related disorder. Also called: ACTA2-related disorders; ACTA2-related condition.

Allele frequency attached by ClinVar (database versions not stated): ExAC 0.00002; gnomAD exomes 0.00002 and 0.00005; TOPMed 0.00002; gnomAD 0.00004; ESP Exome Variant Server 0.00008.
gnomAD v4.1: 76 of 1,613,882 alleles (0.0047%); highest among the groups gnomAD compares: Middle Eastern, 0.033%; no homozygotes.

Submissions (6):

Labcorp Genetics (formerly Invitae), Labcorp
Classification: Likely benign for Aortic aneurysm, familial thoracic 6. Last evaluated: 2026-01-13. Review status: criteria provided, single submitter. Criteria: Invitae Variant Classification Sherloc (09022015). Collection method: clinical testing. Allele origin: germline.

Blueprint Genetics
Classification: Likely benign. Last evaluated: 2024-05-14. Review status: criteria provided, single submitter. Criteria: ACMG Guidelines, 2015. Collection method: clinical testing. Allele origin: germline.

Ambry Genetics
Classification: Likely benign for Familial thoracic aortic aneurysm and aortic dissection. Last evaluated: 2023-07-03. Review status: criteria provided, single submitter. Criteria: Ambry Variant Classification Scheme 2023. Collection method: clinical testing. Allele origin: germline.

Color Diagnostics, LLC DBA Color Health
Classification: Likely benign for Familial thoracic aortic aneurysm and aortic dissection. Last evaluated: 2019-01-14. Review status: criteria provided, single submitter. Criteria: ACMG Guidelines, 2015. Collection method: clinical testing. Allele origin: germline.

GeneDx
Classification: Benign. Last evaluated: 2016-03-02. Review status: criteria provided, single submitter. Criteria: GeneDx Variant Classification (06012015). Collection method: clinical testing. Allele origin: germline. Affected: yes.
Comment: This variant is considered likely benign or benign based on one or more of the following criteria: it is a conservative change, it occurs at a poorly conserved position in the protein, it is predicted to be benign by multiple in silico algorithms, and/or has population frequency not consistent with disease.

PreventionGenetics, part of Exact Sciences
Classification: Likely benign for ACTA2-related condition. Last evaluated: 2021-06-02. Review status: no assertion criteria provided. Collection method: clinical testing. Allele origin: germline. Not counted in ClinVar's aggregate classification.
Comment: This variant is classified as likely benign based on ACMG/AMP sequence variant interpretation guidelines (Richards et al. 2015 PMID: 25741868, with internal and published modifications).